The following is an entry in ClinVar:

NM_000393.5(COL5A2):c.3598G>A (p.Gly1200Ser)

Gene: COL5A2 (collagen type V alpha 2 chain; minus strand). Cytogenetic location: 2q32.2.
Variant type: single nucleotide variant.
Coding change: c.3598G>A on transcript NM_000393.5 (MANE Select); coding-DNA position 3598, G replaced by A.
Protein change: p.Gly1200Ser; replaces glycine 1200 with serine.
Molecular consequence: missense variant.
Genome position (GRCh38, 1-based): chr2:189,041,621, C>T on the plus strand (G>A on the coding strand, the complement: COL5A2 is on the minus strand). VCF-style: chr2-189041621-C-T. GRCh37 (hg19) VCF-style: chr2-189906347-C-T.
Other names: short protein forms G1200S.
Identifiers: ClinVar variation 373715 (VCV000373715.1), dbSNP rs1057518566, ClinGen allele CA16042377.

ClinVar aggregate classification (germline): Uncertain significance (1 of 4 stars; one submission).

Submission:

GeneDx
Classification: Uncertain significance. Last evaluated: 2016-12-07. Review status: criteria provided, single submitter. Criteria: GeneDx Variant Classification (06012015). Collection method: clinical testing. Allele origin: germline. Affected: yes.
Comment: A variant of uncertain significance has been identified in the COL5A2 gene. The G1200S variant hasnot been published as a pathogenic variant, nor has it been reported as a benign variant to ourknowledge. The G1200S variant was not observed in approximately 6,500 individuals of European andAfrican American ancestry in the NHLBI Exome Sequencing Project, indicating it is not a commonbenign variant in these populations. The G1200S variant is a non-conservative amino acidsubstitution, which is likely to impact secondary protein structure as these residues differ in polarity,charge, size and/or other properties. Additionally, this substitution occurs at a position that isconserved across species. In silico analysis predicts this variant is probably damaging to the proteinstructure/function. Although the G1200S variant affects a Glycine residue, it is not located in aGly-X-Y motif in the triple helical region of the COL5A2 gene, where the majority of pathogenicmissense variants occur (Stenson et al., 2014; Symoens et al., 2012). However, in contrast to severalother collagen genes, relatively few pathogenic Glycine substitutions have been reported in COL5A2in association with Ehlers-Danlos syndrome. Most pathogenic variants in COL5A2 are in-frame splicesite changes that cause exon skipping (Symoens et al., 2012).